The following is an entry in ClinVar:

NM_006059.4(LAMC3):c.4274G>A (p.Arg1425His)

Gene: LAMC3 (laminin subunit gamma 3; plus strand). Cytogenetic location: 9q34.12.
Variant type: single nucleotide variant.
Coding change: c.4274G>A on transcript NM_006059.4 (MANE Select); coding-DNA position 4274, G replaced by A.
Protein change: p.Arg1425His; replaces arginine 1425 with histidine.
Molecular consequence: missense variant.
Genome position (GRCh38, 1-based): chr9:131,087,519, G>A. VCF-style: chr9-131087519-G-A. GRCh37 (hg19) VCF-style: chr9-133962906-G-A.
Other names: c.4274G>A (NM_006059.3); short protein forms R1425H.
Identifiers: ClinVar variation 1464338 (VCV001464338.4), dbSNP rs74801489, ClinGen allele CA5288115.
Genomic context (GRCh38, chr9:131,087,519, plus strand): 5'-TGCCACCCATCCCATAGCTTGCCAAGGCCTTGCTGAGGGAGCGGAAACAGGCGCACCGCC[G>A]TGCCAGCAGGCTCACCAGCCAGACGCAAGCCACGCTCCAACAGGCGTCCCAGCAGGTGCT-3'
Protein context (NP_006050.3, residues 1415-1435): LLRERKQAHR[Arg1425His]ASRLTSQTQA

ClinVar aggregate classification (germline): Uncertain significance. Review status: criteria provided, multiple submitters, no conflicts (2 of 4 stars). 2 submissions from 2 submitters: Uncertain significance (2). Last evaluated 2024-06-16.

Conditions:
Inborn genetic diseases. Identifiers: MedGen C0950123, MeSH D030342.

Allele frequency attached by ClinVar (database versions not stated): ExAC 0.00003; gnomAD exomes 0.00004; ESP Exome Variant Server 0.00015.
gnomAD v4.1: 31 of 1,613,688 alleles (0.0019%); highest among the groups gnomAD compares: East Asian, 0.0045%; no homozygotes.

Submissions (2):

Ambry Genetics
Classification: Uncertain significance for Inborn genetic diseases. Last evaluated: 2024-06-16. Review status: criteria provided, single submitter. Criteria: Ambry Variant Classification Scheme 2023. Collection method: clinical testing. Allele origin: germline.

Labcorp Genetics (formerly Invitae), Labcorp
Classification: Uncertain significance. Last evaluated: 2022-09-27. Review status: criteria provided, single submitter. Criteria: Invitae Variant Classification Sherloc (09022015). Collection method: clinical testing. Allele origin: germline.
Comment: This sequence change replaces arginine, which is basic and polar, with histidine, which is basic and polar, at codon 1425 of the LAMC3 protein (p.Arg1425His). This variant is present in population databases (rs74801489, gnomAD 0.01%). This variant has not been reported in the literature in individuals affected with LAMC3-related conditions. ClinVar contains an entry for this variant (Variation ID: 1464338). Algorithms developed to predict the effect of missense changes on protein structure and function output the following: SIFT: "Tolerated"; PolyPhen-2: "Benign"; Align-GVGD: "Class C0". The histidine amino acid residue is found in multiple mammalian species, which suggests that this missense change does not adversely affect protein function. In summary, the available evidence is currently insufficient to determine the role of this variant in disease. Therefore, it has been classified as a Variant of Uncertain Significance.